The following is an entry in ClinVar:

NM_001372066.1(TFAP2A):c.820A>G (p.Ile274Val)

Gene: TFAP2A (transcription factor AP-2 alpha; minus strand). Cytogenetic location: 6p24.3.
Variant type: single nucleotide variant.
Coding change: c.820A>G on transcript NM_001372066.1 (MANE Select); coding-DNA position 820, A replaced by G.
Protein change: p.Ile274Val; replaces isoleucine 274 with valine.
Molecular consequence: missense variant.
Genome position (GRCh38, 1-based): chr6:10,402,561, T>C on the plus strand (A>G on the coding strand, the complement: TFAP2A is on the minus strand). VCF-style: chr6-10402561-T-C. GRCh37 (hg19) VCF-style: chr6-10402794-T-C.
Other names: NM_003220.2:c.814A>G; c.796A>G, p.Ile266Val (NM_001032280.3); c.802A>G, p.Ile268Val (NM_001042425.3); short protein forms I266V, I268V, I274V.
Identifiers: ClinVar variation 973329 (VCV000973329.4), dbSNP rs1762050441, ClinGen allele CA362700877.

ClinVar aggregate classification (germline): Uncertain significance (1 of 4 stars; one submission).

Conditions:
Branchiooculofacial syndrome (BOFS). Also called: Branchio-Oculo-Facial Syndrome; BOF SYNDROME; HEMANGIOMATOUS BRANCHIAL CLEFTS-LIP PSEUDOCLEFT SYNDROME; LIP PSEUDOCLEFT-HEMANGIOMATOUS BRANCHIAL CYST SYNDROME. Identifiers: Orphanet 1297, MedGen C0376524, MeSH D019280, MONDO:0007235, OMIM 113620.

Allele frequency attached by ClinVar (database versions not stated): gnomAD exomes below 0.00001.
gnomAD v4.1: 2 of 1,614,156 alleles (0.00012%); highest among the groups gnomAD compares: Non-Finnish European, 0.000085%; no homozygotes.

Submission:

Illumina Laboratory Services, Illumina
Classification: Uncertain significance for Branchiooculofacial syndrome. Last evaluated: 2019-09-17. Review status: criteria provided, single submitter. Criteria: ICSLVariantClassificationCriteria RUGD 01 April 2020. Collection method: clinical testing. Allele origin: unknown.
Comment: The TFAP2A c.814A>G (p.Ile272Val) variant is a missense variant. A literature search was performed for the gene, cDNA change, and amino acid change. No publications were found based on this search. This variant is not found in the Genome Aggregation Database despite good sequence coverage, so the variant is presumed to be rare. Based on the limited evidence and application of ACMG criteria, the p.Ile272Val variant is classified as a variant of unknown significance for branchiooculofacial syndrome.